The following is an entry in ClinVar:

NM_001349253.2(SCN11A):c.5266C>G (p.Gln1756Glu)

Gene: SCN11A (sodium voltage-gated channel alpha subunit 11; minus strand). Cytogenetic location: 3p22.2.
Variant type: single nucleotide variant.
Coding change: c.5266C>G on transcript NM_001349253.2 (MANE Select); coding-DNA position 5266, C replaced by G.
Protein change: p.Gln1756Glu; replaces glutamine 1756 with glutamic acid.
Molecular consequence: missense variant.
Genome position (GRCh38, 1-based): chr3:38,846,804, G>C on the plus strand (C>G on the coding strand, the complement: SCN11A is on the minus strand). VCF-style: chr3-38846804-G-C. GRCh37 (hg19) VCF-style: chr3-38888295-G-C.
Other names: c.5266C>G, p.Gln1756Glu (NM_014139.3); short protein forms Q1756E.
Identifiers: ClinVar variation 999954 (VCV000999954.5), dbSNP rs2064672266, ClinGen allele CA352159453.

ClinVar aggregate classification (germline): Uncertain significance (1 of 4 stars; one submission).

Conditions:
Hereditary sensory and autonomic neuropathy type 7. Also called: Neuropathy, hereditary sensory and autonomic, type VII; HSAN VII. Identifiers: Orphanet 391397, MedGen C3809882, MONDO:0014244, OMIM 615548.
Familial episodic pain syndrome with predominantly lower limb involvement. Also called: Episodic pain syndrome, familial, 3. Identifiers: Orphanet 391384, Orphanet 391392, MedGen C3809899, MONDO:0014247, OMIM 615552.

gnomAD v4.1: 1 of 1,613,924 alleles (0.000062%); highest among the groups gnomAD compares: Non-Finnish European, 0.000085%; no homozygotes.

Submission:

Labcorp Genetics (formerly Invitae), Labcorp
Classification: Uncertain significance for Familial episodic pain syndrome with predominantly lower limb involvement; Hereditary sensory and autonomic neuropathy type 7. Last evaluated: 2020-02-22. Review status: criteria provided, single submitter. Criteria: Invitae Variant Classification Sherloc (09022015). Collection method: clinical testing. Allele origin: germline.
Comment: This sequence change replaces glutamine with glutamic acid at codon 1756 of the SCN11A protein (p.Gln1756Glu). The glutamine residue is weakly conserved and there is a small physicochemical difference between glutamine and glutamic acid. This variant is not present in population databases (ExAC no frequency). This variant has not been reported in the literature in individuals with SCN11A-related conditions. Algorithms developed to predict the effect of missense changes on protein structure and function are either unavailable or do not agree on the potential impact of this missense change (SIFT: "Deleterious"; PolyPhen-2: "Benign"; Align-GVGD: "Class C0"). In summary, the available evidence is currently insufficient to determine the role of this variant in disease. Therefore, it has been classified as a Variant of Uncertain Significance.